The following is an entry in ClinVar:

ClinVar aggregate classification (germline): Uncertain significance (1 of 4 stars; one submission).

Submission:

Ambry Genetics
Classification: Uncertain significance. Last evaluated: 2025-05-03. Review status: criteria provided, single submitter. Criteria: Ambry Variant Classification Scheme 2023. Collection method: clinical testing. Allele origin: germline.
Comment: The p.Q1792H variant (also known as c.5376G>C), located in coding exon 22 of the WNK2 gene, results from a G to C substitution at nucleotide position 5376. The glutamine at codon 1792 is replaced by histidine, an amino acid with highly similar properties. This amino acid position is conserved. In addition, this alteration is predicted to be tolerated by in silico analysis. Based on the available evidence, the clinical significance of this variant remains unclear.

NM_006648.4(WNK2):c.5376G>C (p.Gln1792His)

Gene: WNK2 (WNK lysine deficient protein kinase 2; plus strand). Cytogenetic location: 9q22.31.
Variant type: single nucleotide variant.
Coding change: c.5376G>C on transcript NM_006648.4 (MANE Select); coding-DNA position 5376, G replaced by C.
Protein change: p.Gln1792His; replaces glutamine 1792 with histidine.
Molecular consequence: missense variant.
Genome position (GRCh38, 1-based): chr9:93,292,841, G>C. VCF-style: chr9-93292841-G-C. GRCh37 (hg19) VCF-style: chr9-96055123-G-C.
Other names: c.5487G>C, p.Gln1829His (NM_001282394.3); short protein forms Q1792H, Q1829H.
Identifiers: ClinVar variation 3981983 (VCV003981983.1).